The following is an entry in ClinVar:

NM_006031.6(PCNT):c.5047T>C (p.Leu1683=)

Gene: PCNT (pericentrin; plus strand). Cytogenetic location: 21q22.3.
Variant type: single nucleotide variant.
Coding change: c.5047T>C on transcript NM_006031.6 (MANE Select); coding-DNA position 5047, T replaced by C.
Protein change: p.Leu1683=; no amino-acid change (leucine 1683 retained).
Molecular consequence: synonymous variant.
Genome position (GRCh38, 1-based): chr21:46,402,415, T>C. VCF-style: chr21-46402415-T-C. GRCh37 (hg19) VCF-style: chr21-47822329-T-C.
Other names: c.4693T>C, p.Leu1565= (NM_001315529.2).
Identifiers: ClinVar variation 1199716 (VCV001199716.14), dbSNP rs145305649, ClinGen allele CA10079868.

ClinVar aggregate classification (germline): Likely benign. Review status: criteria provided, multiple submitters, no conflicts (2 of 4 stars). 4 submissions from 4 submitters: Likely benign (3). 1 of the submissions does not count toward it. Last evaluated 2025-11-11.

Conditions:
PCNT-related disorder. Also called: PCNT-related condition.

Allele frequency attached by ClinVar (database versions not stated): ESP Exome Variant Server 0.00038; 1000 Genomes Project 30x 0.00062; 1000 Genomes Project 0.00080.
gnomAD v4.1: 229 of 1,613,856 alleles (0.014%); highest among the groups gnomAD compares: African/African-American, 0.13%; no homozygotes.

Submissions (4):

Labcorp Genetics (formerly Invitae), Labcorp
Classification: Likely benign. Last evaluated: 2025-11-11. Review status: criteria provided, single submitter. Criteria: Invitae Variant Classification Sherloc (09022015). Collection method: clinical testing. Allele origin: germline.

Blueprint Genetics
Classification: Likely benign. Last evaluated: 2024-11-14. Review status: criteria provided, single submitter. Criteria: ACMG Guidelines, 2015. Collection method: clinical testing. Allele origin: germline.

GeneDx
Classification: Likely benign. Last evaluated: 2020-03-27. Review status: criteria provided, single submitter. Criteria: GeneDx Variant Classification Process June 2021. Collection method: clinical testing. Allele origin: germline. Affected: yes.

PreventionGenetics, part of Exact Sciences
Classification: Likely benign for PCNT-related condition. Last evaluated: 2021-07-12. Review status: no assertion criteria provided. Collection method: clinical testing. Allele origin: germline. Not counted in ClinVar's aggregate classification.
Comment: This variant is classified as likely benign based on ACMG/AMP sequence variant interpretation guidelines (Richards et al. 2015 PMID: 25741868, with internal and published modifications).